The following is an entry in ClinVar:

NM_005609.4(PYGM):c.224A>G (p.Tyr75Cys)

Gene: PYGM (glycogen phosphorylase, muscle associated; minus strand). Cytogenetic location: 11q13.1.
Variant type: single nucleotide variant.
Coding change: c.224A>G on transcript NM_005609.4 (MANE Select); coding-DNA position 224, A replaced by G.
Protein change: p.Tyr75Cys; replaces tyrosine 75 with cysteine.
Molecular consequence: missense variant.
Genome position (GRCh38, 1-based): chr11:64,759,675, T>C on the plus strand (A>G on the coding strand, the complement: PYGM is on the minus strand). VCF-style: chr11-64759675-T-C. GRCh37 (hg19) VCF-style: chr11-64527147-T-C.
Other names: c.224A>G, p.Tyr75Cys (NM_001164716.1); short protein forms Y75C.
Identifiers: ClinVar variation 1163525 (VCV001163525.10), dbSNP rs1449944847, ClinGen allele CA381111939.

ClinVar aggregate classification (germline): Uncertain significance. Review status: criteria provided, multiple submitters, no conflicts (2 of 4 stars). 3 submissions from 3 submitters: Uncertain significance (3). Last evaluated 2021-09-17.

Conditions:
Glycogen storage disease, type V (GSD5). Also called: MCARDLE DISEASE; MUSCLE GLYCOGEN PHOSPHORYLASE DEFICIENCY; MYOPHOSPHORYLASE DEFICIENCY; PYGM DEFICIENCY; McArdle type glycogen storage disease. Identifiers: Orphanet 368, MedGen C0017924, MONDO:0009293, OMIM 232600.

Allele frequency attached by ClinVar (database versions not stated): gnomAD exomes below 0.00001; gnomAD 0.00001; TOPMed 0.00001.
gnomAD v4.1: 15 of 1,613,846 alleles (0.00093%); highest among the groups gnomAD compares: Non-Finnish European, 0.0013%; no homozygotes.

Submissions (3):

Labcorp Genetics (formerly Invitae), Labcorp
Classification: Uncertain significance for Glycogen storage disease, type V. Last evaluated: 2021-09-17. Review status: criteria provided, single submitter. Criteria: Invitae Variant Classification Sherloc (09022015). Collection method: clinical testing. Allele origin: germline.
Comment: This sequence change replaces tyrosine with cysteine at codon 75 of the PYGM protein (p.Tyr75Cys). The tyrosine residue is highly conserved and there is a large physicochemical difference between tyrosine and cysteine. This variant is not present in population databases (ExAC no frequency). This variant has not been reported in the literature in individuals with PYGM-related conditions. Algorithms developed to predict the effect of missense changes on protein structure and function are either unavailable or do not agree on the potential impact of this missense change (SIFT: "Not Available"; PolyPhen-2: "Probably Damaging"; Align-GVGD: "Not Available"). In summary, the available evidence is currently insufficient to determine the role of this variant in disease. Therefore, it has been classified as a Variant of Uncertain Significance.

Mayo Clinic Laboratories, Mayo Clinic
Classification: Uncertain significance. Last evaluated: 2020-03-19. Review status: criteria provided, single submitter. Criteria: ACMG Guidelines, 2015. Collection method: clinical testing. Allele origin: germline. Observed: 1 variant allele.

Revvity Omics, Revvity
Classification: Uncertain significance for Glycogen storage disease, type V. Last evaluated: 2019-08-30. Review status: criteria provided, single submitter. Criteria: ACMG Guidelines, 2015. Collection method: clinical testing. Allele origin: germline.